The following is an entry in ClinVar:

NM_001206999.2(CIT):c.4933C>A (p.Gln1645Lys)

Gene: CIT (citron rho-interacting serine/threonine kinase; minus strand). Cytogenetic location: 12q24.23.
Variant type: single nucleotide variant.
Coding change: c.4933C>A on transcript NM_001206999.2 (MANE Select); coding-DNA position 4933, C replaced by A.
Protein change: p.Gln1645Lys; replaces glutamine 1645 with lysine.
Molecular consequence: missense variant.
Genome position (GRCh38, 1-based): chr12:119,710,542, G>T on the plus strand (C>A on the coding strand, the complement: CIT is on the minus strand). VCF-style: chr12-119710542-G-T. GRCh37 (hg19) VCF-style: chr12-120148347-G-T.
Other names: c.4807C>A, p.Gln1603Lys (NM_007174.3); short protein forms Q1603K, Q1645K.
Identifiers: ClinVar variation 1805577 (VCV001805577.2), dbSNP rs1957114796, ClinGen allele CA386535737.

ClinVar aggregate classification (germline): Uncertain significance. Review status: criteria provided, multiple submitters, no conflicts (2 of 4 stars). 2 submissions from 2 submitters: Uncertain significance (2). Last evaluated 2025-09-02.

Conditions:
Inborn genetic diseases. Identifiers: MedGen C0950123, MeSH D030342.
Microcephaly 17, primary, autosomal recessive (MCPH17). Identifiers: Orphanet 2512, MedGen C4310723, MONDO:0014908, OMIM 617090.

Allele frequency attached by ClinVar (database versions not stated): TOPMed 0.00001; gnomAD exomes 0.00002.
gnomAD v4.1: 13 of 1,614,094 alleles (0.00081%); highest among the groups gnomAD compares: Non-Finnish European, 0.0011%; no homozygotes.

Submissions (2):

Ambry Genetics
Classification: Uncertain significance for Inborn genetic diseases. Last evaluated: 2025-09-02. Review status: criteria provided, single submitter. Criteria: Ambry Variant Classification Scheme 2023. Collection method: clinical testing. Allele origin: germline.

Victorian Clinical Genetics Services, Murdoch Childrens Research Institute
Classification: Uncertain significance for Microcephaly 17, primary, autosomal recessive. Last evaluated: 2020-05-21. Review status: criteria provided, single submitter. Criteria: ACMG Guidelines, 2015. Collection method: clinical testing. Allele origin: germline. Inheritance: Autosomal recessive inheritance. Affected: yes.
Comment: A heterozygous missense variant was identified, NM_001206999.1(CIT):c.4933C>A in exon 38 of the CIT gene. This substitution is predicted to create a minor amino acid change from a glutamine to a lysine at position 1645 of the protein; NP_001193928.1(CIT):p.(Gln1645Lys). The glutamine at this position has very high conservation (100 vertebrates, UCSC), and is located within the CNH domain (NCBI, PDB). In silico software predictions of the pathogenicity of this variant are conflicting (PolyPhen2, PROVEAN, FATHMM, MutationAssessor). The variant is not present in the gnomAD population database. This variant has not previously been reported in clinical cases. Based on information available at the time of curation, this variant has been classified as a VUS. Legend: (P) - Pathogenic, (N) - Neutral, (B) - Benign